The following is an entry in ClinVar:

NM_005562.3(LAMC2):c.1857+1G>A

Gene: LAMC2 (laminin subunit gamma 2; plus strand). Cytogenetic location: 1q25.3.
Variant type: single nucleotide variant.
Coding change: c.1857+1G>A on transcript NM_005562.3 (MANE Select); the canonical splice donor site of the intron after coding-DNA position 1857, G replaced by A.
Molecular consequence: splice donor variant.
Genome position (GRCh38, 1-based): chr1:183,231,104, G>A. VCF-style: chr1-183231104-G-A. GRCh37 (hg19) VCF-style: chr1-183200239-G-A.
Other names: c.1857+1G>A (NM_018891.3).
Identifiers: ClinVar variation 3370435 (VCV003370435.1).

ClinVar aggregate classification (germline): Likely pathogenic (0 of 4 stars; one submission).

Conditions:
Epidermolysis bullosa, junctional 3A, intermediate. Also called: EPIDERMOLYSIS BULLOSA, JUNCTIONAL 3A, GENERALIZED INTERMEDIATE; EPIDERMOLYSIS BULLOSA, JUNCTIONAL 3A, NON-HERLITZ TYPE. Identifiers: MedGen C5676938, MONDO:0030748, OMIM 619785.

Submission:

Department of Genetics, Suzhou Beikang Medical Laboratory
Classification: Likely pathogenic for Epidermolysis bullosa, junctional 3A, intermediate. Last evaluated: 2024-10-31. Review status: no assertion criteria provided. Collection method: clinical testing. Allele origin: germline. Affected: no.
Comment: For these reasons, this variant has been classified as Likely Pathogenic. Algorithms developed to predict the effect of sequence changes on RNA splicing suggest that this variant may disrupt the consensus splice site. This variant has not been reported in the literature in individuals affected with LAMC2-related conditions. This variant is not present in population databases (gnomAD no frequency). This sequence change affects a donor splice site in intron 12 of the LAMC2 gene. It is expected to disrupt RNA splicing. Variants that disrupt the donor or acceptor splice site typically lead to a loss of protein function (PMID: 16199547), and loss-of-function variants in LAMC2 are known to be pathogenic (PMID: 11907499, 16473856,38157931, 29946029).